The following is an entry in ClinVar:

ClinVar aggregate classification (germline): Benign (3 of 4 stars; one submission).

Conditions:
Breast-ovarian cancer, familial, susceptibility to, 2 (BROVCA2). Also called: BRCA2 Hereditary Breast and Ovarian Cancer. Identifiers: Orphanet 145, MedGen C2675520, MONDO:0012933, OMIM 612555. Disease mechanism: loss of function.

Allele frequency attached by ClinVar (database versions not stated): gnomAD 0.00964 and 0.01037; 1000 Genomes Project 0.00998; 1000 Genomes Project 30x 0.01031; TOPMed 0.01070.
gnomAD v4.1: 1,455 of 152,216 alleles (0.96%); highest among the groups gnomAD compares: African/African-American, 3.4%; 26 homozygotes.

Submission:

Evidence-based Network for the Interpretation of Germline Mutant Alleles (ENIGMA)
Classification: Benign for Breast-ovarian cancer, familial 2. Last evaluated: 2015-01-12. Review status: reviewed by expert panel. Criteria: ENIGMA BRCA1/2 Classification Criteria (2015). Collection method: curation. Allele origin: germline.
Comment: Class 1 not pathogenic based on frequency >1% in an outbred sampleset. Frequency 0.04268 (African), derived from 1000 genomes (2012-04-30).

NM_000059.4(BRCA2):c.9257-536C>G

Gene: BRCA2 (BRCA2 DNA repair associated; plus strand). Cytogenetic location: 13q13.1.
Variant type: single nucleotide variant.
Coding change: c.9257-536C>G on transcript NM_000059.4 (MANE Select); 536 bases into the intron before coding-DNA position 9257, C replaced by G.
Molecular consequence: intron variant.
Genome position (GRCh38, 1-based): chr13:32,394,153, C>G. VCF-style: chr13-32394153-C-G. GRCh37 (hg19) VCF-style: chr13-32968290-C-G.
Other names: IVS 24-536C>G.
Identifiers: ClinVar variation 209906 (VCV000209906.1), dbSNP rs7324145, ClinGen allele CA276874.
Genomic context (GRCh38, chr13:32,394,153, plus strand): 5'-GTCCTGGAGATCAGTTCATAGAAATCGTCCTCACTCTTTTTTTACAGCTACGTGGTACAC[C>G]ATTGTTTGGATGTACCACAGTTTATCCAACTCTATCCTGTATATGAGCTAATAAAAGTTG-3'